The following is an entry in ClinVar:

NM_144666.3(DNHD1):c.10251_10252insG (p.Thr3418fs)

Gene: DNHD1 (dynein heavy chain domain 1; plus strand). Cytogenetic location: 11p15.4.
Variant type: Insertion.
Coding change: c.10251_10252insG on transcript NM_144666.3 (MANE Select); coding-DNA positions 10251 to 10252, G inserted.
Protein change: p.Thr3418fs; shifts the reading frame from threonine 3418.
Molecular consequence: frameshift variant.
Genome position: GRCh38 VCF-style: chr11-6564091-C-CG. GRCh37 (hg19) VCF-style: chr11-6585321-C-CG.
Other names: short protein forms T3418fs.
Identifiers: ClinVar variation 4849445 (VCV004849445.1).
Genomic context (GRCh38, chr11:6,564,091, plus strand): 5'-GACCCTCAGTCAAGCACAGTGTGGGCAGTATCACAAATGGCCCATGAAGGCTGCACTGCT[C>CG]ACGCCTATGCGTGCCTGGACTACACAGCTCCAGGTAACCATCCCCCTCCCAGATGTCTCC-3'

ClinVar aggregate classification (germline): Likely pathogenic (1 of 4 stars; one submission).

Conditions:
Spermatogenic failure 65 (SPGF65). Identifiers: MedGen C5562067, MONDO:0030531, OMIM 619712.

Submission:

First Genomix Gene Laboratory, Genetic Diagnostics Department
Classification: Likely pathogenic for Spermatogenic failure 65. Last evaluated: 2025-06-02. Review status: criteria provided, single submitter. Criteria: ACMG Guidelines, 2015. Collection method: clinical testing. Allele origin: germline. Inheritance: Autosomal recessive inheritance. Affected: no. Observed: 1 variant allele.